The following is an entry in ClinVar:

ClinVar aggregate classification (germline): Uncertain significance (1 of 4 stars; one submission).

Conditions:
Hereditary cancer-predisposing syndrome. Also called: Neoplastic Syndromes, Hereditary; Tumor predisposition; Hereditary Cancer Syndrome; Hereditary neoplastic syndrome. Identifiers: Orphanet 140162, MedGen C0027672, MeSH D009386, MONDO:0015356.

Submission:

Ambry Genetics
Classification: Uncertain significance for Hereditary cancer-predisposing syndrome. Last evaluated: 2026-01-09. Review status: criteria provided, single submitter. Criteria: Ambry Variant Classification Scheme 2023. Collection method: clinical testing. Allele origin: germline.
Comment: The p.E114Q variant (also known as c.340G>C), located in coding exon 2 of the PHOX2B gene, results from a G to C substitution at nucleotide position 340. The glutamic acid at codon 114 is replaced by glutamine, an amino acid with highly similar properties. This amino acid position is conserved. In addition, this alteration is predicted to be deleterious by in silico analysis. Based on the available evidence, the clinical significance of this variant remains unclear.

NM_003924.4(PHOX2B):c.340G>C (p.Glu114Gln)

Gene: PHOX2B (paired like homeobox 2B; minus strand). Cytogenetic location: 4p13.
Variant type: single nucleotide variant.
Coding change: c.340G>C on transcript NM_003924.4 (MANE Select); coding-DNA position 340, G replaced by C.
Protein change: p.Glu114Gln; replaces glutamic acid 114 with glutamine.
Molecular consequence: missense variant.
Genome position (GRCh38, 1-based): chr4:41,747,438, C>G on the plus strand (G>C on the coding strand, the complement: PHOX2B is on the minus strand). VCF-style: chr4-41747438-C-G. GRCh37 (hg19) VCF-style: chr4-41749455-C-G.
Other names: short protein forms E114Q.
Identifiers: ClinVar variation 4841582 (VCV004841582.1).